The following is an entry in ClinVar:

NM_001267550.2(TTN):c.56619T>G (p.Ser18873Arg)

Genes: TTN (titin; minus strand), TTN-AS1 (TTN antisense RNA 1; plus strand). Cytogenetic location: 2q31.2.
Variant type: single nucleotide variant.
Coding change: c.56619T>G on transcript NM_001267550.2 (MANE Select); coding-DNA position 56619, T replaced by G.
Protein change: p.Ser18873Arg; replaces serine 18873 with arginine.
Molecular consequence: missense variant.
Genome position (GRCh38, 1-based): chr2:178,599,174, A>C on the plus strand (T>G on the coding strand, the complement: TTN is on the minus strand). VCF-style: chr2-178599174-A-C. GRCh37 (hg19) VCF-style: chr2-179463901-A-C.
Other names: p.S17232R:AGT>AGG; c.51696T>G, p.Ser17232Arg (NM_001256850.1); c.29424T>G, p.Ser9808Arg (NM_003319.4); c.48915T>G, p.Ser16305Arg (NM_133378.4); c.29799T>G, p.Ser9933Arg (NM_133432.3); c.30000T>G, p.Ser10000Arg (NM_133437.4); short protein forms S17232R, S18873R, S16305R, S9808R, S10000R, S9933R.
Identifiers: ClinVar variation 202728 (VCV000202728.6), dbSNP rs794729462, ClinGen allele CA310104.
Genomic context (GRCh38, chr2:178,599,174, plus strand): 5'-GGCTTTGTATGTGAAAATGTTCTCCTACTTACAGAAGAGGTTTCTTGCTGTTTCAGGTTC[A>C]CTGTCAAGAGGTTCTCCAATGCCATATTTATTCTGGGCCATGATTCGGAATACATATTCA-3'
Protein context (NP_001254479.2, residues 18863-18883): NKYGIGEPLD[Ser18873Arg]EPETARNLFS

ClinVar aggregate classification (germline): Uncertain significance. Review status: criteria provided, multiple submitters, no conflicts (2 of 4 stars). 3 submissions from 3 submitters: Uncertain significance (3). Last evaluated 2025-09-30.

Conditions:
TTN-related disorder. Also called: TTN-related condition; TTN-related disease; TTN-related disorders.

Allele frequency attached by ClinVar (database versions not stated): TOPMed 0.00001.

Submissions (3):

PreventionGenetics, part of Exact Sciences
Classification: Uncertain significance for TTN-related condition. Last evaluated: 2025-09-30. Review status: criteria provided, single submitter. Criteria: ACMG Guidelines, 2015. Collection method: clinical testing. Allele origin: germline.
Comment: The TTN c.56619T>G variant is predicted to result in the amino acid substitution p.Ser18873Arg. To our knowledge, this variant has not been reported in the literature or in a large population database (gnomAD), indicating this variant is rare. At this time, the clinical significance of this variant is uncertain due to the absence of conclusive functional and genetic evidence.

Revvity Omics, Revvity
Classification: Uncertain significance. Last evaluated: 2023-01-10. Review status: criteria provided, single submitter. Criteria: ACMG Guidelines, 2015. Collection method: clinical testing. Allele origin: germline.

GeneDx
Classification: Uncertain significance. Last evaluated: 2014-04-22. Review status: criteria provided, single submitter. Criteria: GeneDx Variant Classification (06012015). Collection method: clinical testing. Allele origin: germline. Affected: yes.
Comment: Missense variants in the TTN gene are considered 'unclassified' if they are not previously reported in the literature and do not have >1% frequency in the population to be considered a polymorphism. Research indicates that truncating mutations in the TTN gene are expected to account for approximately 25% of familial and 18% of sporadic idiopathic DCM; however, truncating variants in the TTN gene have been reported in approximately 3% of reported control alleles. There has been little investigation into non-truncating variants. (Herman D et al. Truncations of titin causing dilated cardiomyopathy. N Eng J Med 366:619-628, 2012) The variant is found in CARDIOMYOPATHY panel(s).